The following is an entry in ClinVar:

NM_000526.5(KRT14):c.1A>G (p.Met1Val)

Gene: KRT14 (keratin 14; minus strand). Cytogenetic location: 17q21.2.
Variant type: single nucleotide variant.
Coding change: c.1A>G on transcript NM_000526.5 (MANE Select); coding-DNA position 1, A replaced by G.
Protein change: p.Met1Val; changes the start codon (methionine 1).
Molecular consequence: missense variant, initiator codon variant.
Genome position (GRCh38, 1-based): chr17:41,586,834, T>C on the plus strand (A>G on the coding strand, the complement: KRT14 is on the minus strand). VCF-style: chr17-41586834-T-C. GRCh37 (hg19) VCF-style: chr17-39743086-T-C.
Other names: short protein forms M1V.
Identifiers: ClinVar variation 3668210 (VCV003668210.2).

ClinVar aggregate classification (germline): Uncertain significance (1 of 4 stars; one submission).

Submission:

Labcorp Genetics (formerly Invitae), Labcorp
Classification: Uncertain significance. Last evaluated: 2024-07-29. Review status: criteria provided, single submitter. Criteria: Invitae Variant Classification Sherloc (09022015). Collection method: clinical testing. Allele origin: germline.
Comment: This sequence change affects the initiator methionine of the KRT14 mRNA. The next in-frame methionine is located at codon 14. This variant is not present in population databases (gnomAD no frequency). This variant has not been reported in the literature in individuals affected with KRT14-related conditions. Experimental studies and prediction algorithms are not available or were not evaluated, and the functional significance of this variant is currently unknown. In summary, the available evidence is currently insufficient to determine the role of this variant in disease. Therefore, it has been classified as a Variant of Uncertain Significance.